The following is an entry in ClinVar:

NM_003476.5(CSRP3):c.85A>C (p.Ser29Arg)

Gene: CSRP3 (cysteine and glycine rich protein 3; minus strand). Cytogenetic location: 11p15.1.
Variant type: single nucleotide variant.
Coding change: c.85A>C on transcript NM_003476.5 (MANE Select); coding-DNA position 85, A replaced by C.
Protein change: p.Ser29Arg; replaces serine 29 with arginine.
Molecular consequence: missense variant.
Genome position (GRCh38, 1-based): chr11:19,192,364, T>G on the plus strand (A>C on the coding strand, the complement: CSRP3 is on the minus strand). VCF-style: chr11-19192364-T-G. GRCh37 (hg19) VCF-style: chr11-19213911-T-G.
Other names: c.85A>C, p.Ser29Arg (NM_001369404.1); short protein forms S29R.
Identifiers: ClinVar variation 3750073 (VCV003750073.2).

ClinVar aggregate classification (germline): Uncertain significance (1 of 4 stars; one submission).

Conditions:
Dilated cardiomyopathy 1M (CMD1M). Identifiers: Orphanet 154, MedGen C1843808, MONDO:0011840, OMIM 607482.
Hypertrophic cardiomyopathy 12. Identifiers: MedGen C2677491, MONDO:0012804, OMIM 612124.

Submission:

Labcorp Genetics (formerly Invitae), Labcorp
Classification: Uncertain significance for Hypertrophic cardiomyopathy 12; Dilated cardiomyopathy 1M. Last evaluated: 2025-12-09. Review status: criteria provided, single submitter. Criteria: Invitae Variant Classification Sherloc (09022015). Collection method: clinical testing. Allele origin: germline.
Comment: This sequence change replaces serine, which is neutral and polar, with arginine, which is basic and polar, at codon 29 of the CSRP3 protein (p.Ser29Arg). This variant is present in population databases (rs765951170, gnomAD 0.0009%). This variant has not been reported in the literature in individuals affected with CSRP3-related conditions. ClinVar contains an entry for this variant (Variation ID: 3750073). An algorithm developed to predict the effect of missense changes on protein structure and function (PolyPhen-2) suggests that this variant is likely to be disruptive. In summary, the available evidence is currently insufficient to determine the role of this variant in disease. Therefore, it has been classified as a Variant of Uncertain Significance.